The following is an entry in ClinVar:

ClinVar aggregate classification (germline): Uncertain significance (1 of 4 stars; one submission).

Submission:

Labcorp Genetics (formerly Invitae), Labcorp
Classification: Uncertain significance. Last evaluated: 2022-01-18. Review status: criteria provided, single submitter. Criteria: Invitae Variant Classification Sherloc (09022015). Collection method: clinical testing. Allele origin: germline.
Comment: Advanced modeling of protein sequence and biophysical properties (such as structural, functional, and spatial information, amino acid conservation, physicochemical variation, residue mobility, and thermodynamic stability) performed at Invitae indicates that this missense variant is expected to disrupt MTOR protein function. In summary, the available evidence is currently insufficient to determine the role of this variant in disease. Therefore, it has been classified as a Variant of Uncertain Significance. This variant has not been reported in the literature in individuals affected with MTOR-related conditions. This variant is not present in population databases (gnomAD no frequency). This sequence change replaces lysine, which is basic and polar, with glutamic acid, which is acidic and polar, at codon 2370 of the MTOR protein (p.Lys2370Glu).

NM_004958.4(MTOR):c.7108A>G (p.Lys2370Glu)

Gene: MTOR (mechanistic target of rapamycin kinase; minus strand). Cytogenetic location: 1p36.22.
Variant type: single nucleotide variant.
Coding change: c.7108A>G on transcript NM_004958.4 (MANE Select); coding-DNA position 7108, A replaced by G.
Protein change: p.Lys2370Glu; replaces lysine 2370 with glutamic acid.
Molecular consequence: missense variant.
Genome position (GRCh38, 1-based): chr1:11,114,869, T>C on the plus strand (A>G on the coding strand, the complement: MTOR is on the minus strand). VCF-style: chr1-11114869-T-C. GRCh37 (hg19) VCF-style: chr1-11174926-T-C.
Other names: c.7108A>G, p.Lys2370Glu (NM_001386500.1); c.5860A>G, p.Lys1954Glu (NM_001386501.1); short protein forms K2370E, K1954E.
Identifiers: ClinVar variation 2087826 (VCV002087826.4), dbSNP rs2522078541, ClinGen allele CA338381838.
Genomic context (GRCh38, chr1:11,114,869, plus strand): 5'-TCACCTCCATAGCATTGGTCAACATTCTTGTTAGTCTAAATGGAATCTTCTCTGGAAACT[T>C]CTCTCGGGTCATAGCAACCTACAGAATAATAAATGGGAAAAGCCAAATCAATGTTTATTT-3'
Protein context (NP_004949.1, residues 2360-2380): DCFEVAMTRE[Lys2370Glu]FPEKIPFRLT